The following is an entry in ClinVar:

ClinVar aggregate classification (germline): Likely pathogenic. Review status: criteria provided, single submitter (1 of 4 stars). 2 submissions from 2 submitters: Likely pathogenic (1). 1 of the submissions does not count toward it. Last evaluated 2018-11-27.

Conditions:
Von Hippel-Lindau syndrome (VHLS). Also called: Von Hippel-Lindau; von Hippel–Lindau syndrome; VHL syndrome. Identifiers: Orphanet 892, MedGen C0019562, MONDO:0008667, OMIM 193300. Disease mechanism: loss of function.
Chuvash polycythemia. Also called: POLYCYTHEMIA, VHL-DEPENDENT. Identifiers: Orphanet 238557, MedGen C1837915, MONDO:0009892, OMIM 263400.

Submissions (2):

Labcorp Genetics (formerly Invitae), Labcorp
Classification: Likely pathogenic for Von Hippel-Lindau syndrome; Erythrocytosis, familial, 2. Last evaluated: 2018-11-27. Review status: criteria provided, single submitter. Criteria: Invitae Variant Classification Sherloc (09022015). Collection method: clinical testing. Allele origin: germline.
Comment: This sequence change replaces asparagine with isoleucine at codon 78 of the VHL protein (p.Asn78Ile). The asparagine residue is highly conserved and there is a large physicochemical difference between asparagine and isoleucine. This variant is not present in population databases (ExAC no frequency). This variant has been observed in several individuals affected with Von Hippel-Lindau disease (PMID:Â¬â€ 9681856,Â¬â€ 12114495,Â¬â€ 21673464, Invitae). ClinVar contains an entry for this variant (Variation ID: 223169). Algorithms developed to predict the effect of missense changes on protein structure and function (SIFT, PolyPhen-2, Align-GVGD) all suggest that this variant is likely to be disruptive, but these predictions have not been confirmed by published functional studies and their clinical significance is uncertain. This variant disrupts the p.Asn78 amino acid residue in VHL. Other variants that disrupt this residue have been observed in affected individuals (PMID:Â¬â€ 7728151,Â¬â€ 8956040, 15109448, 23842656), suggesting that it is a clinically significant residue. As a result, variants that disrupt this residue are likely to be causative of disease. In summary, the currently available evidence indicates that the variant is pathogenic, but additional data are needed to prove that conclusively. Therefore, this variant has been classified as Likely Pathogenic.

Genomic Diagnostic Laboratory, Division of Genomic Diagnostics, Children's Hospital of Philadelphia
Classification: Pathogenic for Von Hippel-Lindau syndrome. Last evaluated: 2016-02-26. Review status: no assertion criteria provided. Collection method: clinical testing. Allele origin: germline. Affected: yes. Observed: 1 variant allele. Not counted in ClinVar's aggregate classification.

NM_000551.4(VHL):c.233A>T (p.Asn78Ile)

Gene: VHL (von Hippel-Lindau tumor suppressor; plus strand). Cytogenetic location: 3p25.3.
Variant type: single nucleotide variant.
Coding change: c.233A>T on transcript NM_000551.4 (MANE Select); coding-DNA position 233, A replaced by T.
Protein change: p.Asn78Ile; replaces asparagine 78 with isoleucine.
Molecular consequence: missense variant.
Genome position (GRCh38, 1-based): chr3:10,142,080, A>T. VCF-style: chr3-10142080-A-T. GRCh37 (hg19) VCF-style: chr3-10183764-A-T.
Other names: c.233A>T, p.Asn78Ile (NM_001354723.2, NM_198156.3); short protein forms N78I.
Identifiers: ClinVar variation 223169 (VCV000223169.2), dbSNP rs5030804, ClinGen allele CA357063.